The following is an entry in ClinVar:

NM_006306.4(SMC1A):c.716A>G (p.Asn239Ser)

Gene: SMC1A (structural maintenance of chromosomes 1A; minus strand). Cytogenetic location: Xp11.22.
Variant type: single nucleotide variant.
Coding change: c.716A>G on transcript NM_006306.4 (MANE Select); coding-DNA position 716, A replaced by G.
Protein change: p.Asn239Ser; replaces asparagine 239 with serine.
Molecular consequence: missense variant.
Genome position (GRCh38, 1-based): chrX:53,413,038, T>C on the plus strand (A>G on the coding strand, the complement: SMC1A is on the minus strand). VCF-style: chrX-53413038-T-C. GRCh37 (hg19) VCF-style: chrX-53439988-T-C.
Other names: c.650A>G, p.Asn217Ser (NM_001281463.1); short protein forms N239S, N217S.
Identifiers: ClinVar variation 1490911 (VCV001490911.9), dbSNP rs782172948, ClinGen allele CA10420644.
Genomic context (GRCh38, chrX:53,413,038, plus strand): 5'-ACCTTGTCCATACGCTTCTTGTCCTTCTCGATCTCCTTGTTCTTTGAGGCCAGTTCCTTG[T>C]TGAGCTTCTCAATTTCCACTTCATTATGGTAAAGCTTAAAGAGCTGCAGCTGTACCTGAG-3'
Protein context (NP_006297.2, residues 229-249): YHNEVEIEKL[Asn239Ser]KELASKNKEI

ClinVar aggregate classification (germline): Uncertain significance. Review status: criteria provided, multiple submitters, no conflicts (2 of 4 stars). 2 submissions from 2 submitters: Uncertain significance (2). Last evaluated 2023-02-14.

Conditions:
Developmental and epileptic encephalopathy, 85, with or without midline brain defects. Also called: EPILEPTIC ENCEPHALOPATHY, EARLY INFANTILE, 85, WITH OR WITHOUT MIDLINE BRAIN DEFECTS. Identifiers: MedGen C5393312, MONDO:0026771, OMIM 301044.
Congenital muscular hypertrophy-cerebral syndrome (CDLS2). Also called: Cornelia de Lange syndrome 2; SMC1A-Related Cornelia de Lange Syndrome. Identifiers: Orphanet 199, MedGen C1802395, MONDO:0010370, OMIM 300590.

Allele frequency attached by ClinVar (database versions not stated): gnomAD exomes below 0.00001 and 0.00002; gnomAD 0.00001; TOPMed 0.00001; ExAC 0.00005.
gnomAD v4.1: 3 of 1,209,836 alleles (0.00025%); highest among the groups gnomAD compares: Admixed American, 0.0044%; no homozygotes.

Submissions (2):

Neuberg Centre For Genomic Medicine, NCGM
Classification: Uncertain significance for Developmental and epileptic encephalopathy, 85, with or without midline brain defects. Last evaluated: 2023-02-14. Review status: criteria provided, single submitter. Criteria: ACMG Guidelines, 2015. Collection method: clinical testing. Allele origin: germline. Inheritance: X-linked dominant inheritance. Affected: yes.
Comment: The missense c.716A>G (p.Asn239Ser) variant in gene has not been reported previously as a pathogenic variant nor as a benign variant, to our knowledge. The p.Asn239Ser variant has allele frequency 0.002% in gnomAD Exomes and is novel (not in any individuals) in 1000 Genomes. This variant has been reported to the ClinVar database as Uncertain Significance. The amino acid change p.Asn239Ser in SMC1A is predicted as conserved by GERP++ and PhyloP across 100 vertebrates. The amino acid Asn at position 239 is changed to a Ser changing protein sequence and it might alter its composition and physico-chemical properties. For these reasons, this variant has been classified as Variant of Uncertain Significance (VUS).

Labcorp Genetics (formerly Invitae), Labcorp
Classification: Uncertain significance for Congenital muscular hypertrophy-cerebral syndrome. Last evaluated: 2022-09-25. Review status: criteria provided, single submitter. Criteria: Invitae Variant Classification Sherloc (09022015). Collection method: clinical testing. Allele origin: germline.
Comment: This sequence change replaces asparagine, which is neutral and polar, with serine, which is neutral and polar, at codon 239 of the SMC1A protein (p.Asn239Ser). This variant is present in population databases (rs782172948, gnomAD 0.008%). This variant has not been reported in the literature in individuals affected with SMC1A-related conditions. ClinVar contains an entry for this variant (Variation ID: 1490911). Advanced modeling of protein sequence and biophysical properties (such as structural, functional, and spatial information, amino acid conservation, physicochemical variation, residue mobility, and thermodynamic stability) performed at Invitae indicates that this missense variant is not expected to disrupt SMC1A protein function. In summary, the available evidence is currently insufficient to determine the role of this variant in disease. Therefore, it has been classified as a Variant of Uncertain Significance.